The following is an entry in ClinVar:

NM_003072.5(SMARCA4):c.3225G>A (p.Leu1075=)

Gene: SMARCA4 (SWI/SNF related BAF chromatin remodeling complex subunit ATPase 4; plus strand). Cytogenetic location: 19p13.2.
Variant type: single nucleotide variant.
Coding change: c.3225G>A on transcript NM_003072.5 (MANE Select); coding-DNA position 3225, G replaced by A.
Protein change: p.Leu1075=; no amino-acid change (leucine 1075 retained).
Molecular consequence: synonymous variant. On other transcripts: non-coding transcript variant (1).
Genome position (GRCh38, 1-based): chr19:11,027,793, G>A. VCF-style: chr19-11027793-G-A. GRCh37 (hg19) VCF-style: chr19-11138469-G-A.
Other names: c.3225G>A, p.Leu1075= (NM_001128844.3, NM_001128845.2, NM_001128846.2 and 5 more transcripts).
Identifiers: ClinVar variation 415121 (VCV000415121.20), dbSNP rs374499588, ClinGen allele CA16616162.

ClinVar aggregate classification (germline): Benign/Likely benign. Review status: criteria provided, multiple submitters, no conflicts (2 of 4 stars). 6 submissions from 6 submitters: Benign (1); Likely benign (5). Last evaluated 2026-08-05.

Conditions:
SMARCA4-related disorder. Also called: SMARCA4-related condition.
Rhabdoid tumor predisposition syndrome 2 (RTPS2). Identifiers: Orphanet 231108, Orphanet 69077, MedGen C2750074, MONDO:0013224, OMIM 613325.
Hereditary cancer-predisposing syndrome. Also called: Hereditary Cancer Syndrome; Hereditary neoplastic syndrome; Neoplastic Syndromes, Hereditary; Tumor predisposition. Identifiers: Orphanet 140162, MedGen C0027672, MeSH D009386, MONDO:0015356.

Allele frequency attached by ClinVar (database versions not stated): gnomAD exomes 0.00006 and 0.00001; ESP Exome Variant Server 0.00008; TOPMed 0.00004; gnomAD 0.00006.
gnomAD v4.1: 90 of 1,613,938 alleles (0.0056%); highest among the groups gnomAD compares: Non-Finnish European, 0.0073%; no homozygotes.

Submissions (6):

PreventionGenetics, part of Exact Sciences
Classification: Likely benign for SMARCA4-related condition. Last evaluated: 2026-08-05. Review status: criteria provided, single submitter. Criteria: ACMG Guidelines, 2015. Collection method: clinical testing. Allele origin: germline.
Comment: This variant is classified as likely benign based on ACMG/AMP sequence variant interpretation guidelines (Richards et al. 2015 PMID: 25741868, with internal and published modifications).

Myriad Genetics, Inc.
Classification: Benign for Rhabdoid tumor predisposition syndrome 2. Last evaluated: 2026-07-14. Review status: criteria provided, single submitter. Criteria: Myriad Autosomal Dominant, Autosomal Recessive and X-Linked Classification Criteria (2023). Collection method: clinical testing. Allele origin: unknown.
Comment: This variant is considered benign. This variant is a silent/synonymous amino acid change and it is not expected to impact splicing.

Labcorp Genetics (formerly Invitae), Labcorp
Classification: Likely benign for Rhabdoid tumor predisposition syndrome 2. Last evaluated: 2026-01-16. Review status: criteria provided, single submitter. Criteria: Invitae Variant Classification Sherloc (09022015). Collection method: clinical testing. Allele origin: germline.

Quest Diagnostics Nichols Institute San Juan Capistrano
Classification: Likely benign. Last evaluated: 2025-08-13. Review status: criteria provided, single submitter. Criteria: Quest Diagnostics criteria. Collection method: clinical testing. Allele origin: unknown.

Sema4
Classification: Likely benign for Hereditary cancer-predisposing syndrome. Last evaluated: 2021-05-29. Review status: criteria provided, single submitter. Criteria: Sema4 Curation Guidelines. Collection method: curation. Allele origin: germline.

Ambry Genetics
Classification: Likely benign for Hereditary cancer-predisposing syndrome. Last evaluated: 2015-08-30. Review status: criteria provided, single submitter. Criteria: Ambry Variant Classification Scheme 2023. Collection method: clinical testing. Allele origin: germline.